The following is an entry in ClinVar:

NM_001101426.4(CRPPA):c.193C>A (p.Pro65Thr)

Genes: CRPPA (CDP-L-ribitol pyrophosphorylase A; minus strand), LOC129998004 (ATAC-STARR-seq lymphoblastoid silent region 17981; plus strand). Cytogenetic location: 7p21.2.
Variant type: single nucleotide variant.
Coding change: c.193C>A on transcript NM_001101426.4 (MANE Select); coding-DNA position 193, C replaced by A.
Protein change: p.Pro65Thr; replaces proline 65 with threonine.
Molecular consequence: missense variant. On other transcripts: non-coding transcript variant (1).
Genome position (GRCh38, 1-based): chr7:16,421,130, G>T on the plus strand (C>A on the coding strand, the complement: CRPPA is on the minus strand). VCF-style: chr7-16421130-G-T. GRCh37 (hg19) VCF-style: chr7-16460755-G-T.
Other names: c.193C>A, p.Pro65Thr (NM_001101417.4, NM_001368197.1); short protein forms P65T.
Identifiers: ClinVar variation 579387 (VCV000579387.15), dbSNP rs886042489, ClinGen allele CA367004026.

ClinVar aggregate classification (germline): Uncertain significance. Review status: criteria provided, multiple submitters, no conflicts (2 of 4 stars). 3 submissions from 3 submitters: Uncertain significance (3). Last evaluated 2025-10-06.

Conditions:
Muscular dystrophy-dystroglycanopathy (congenital with brain and eye anomalies), type A, 7. Also called: WALKER-WARBURG SYNDROME OR MUSCLE-EYE-BRAIN DISEASE, ISPD-RELATED; Congenital muscular dystrophy-dystroglycanopathy with brain and eye anomalies, type A7. Identifiers: Orphanet 899, MedGen C3553330, MONDO:0013835, OMIM 614643.
Autosomal recessive limb-girdle muscular dystrophy type 2U. Also called: MUSCULAR DYSTROPHY, LIMB-GIRDLE, TYPE 2U; Muscular dystrophy-dystroglycanopathy (limb-girdle), type c, 7. Identifiers: Orphanet 352479, MedGen C5190987, MONDO:0014474, OMIM 616052.

Allele frequency attached by ClinVar (database versions not stated): gnomAD 0.00001.

Submissions (3):

Labcorp Genetics (formerly Invitae), Labcorp
Classification: Uncertain significance for Muscular dystrophy-dystroglycanopathy (congenital with brain and eye anomalies), type A, 7; Autosomal recessive limb-girdle muscular dystrophy type 2U. Last evaluated: 2025-10-06. Review status: criteria provided, single submitter. Criteria: Invitae Variant Classification Sherloc (09022015). Collection method: clinical testing. Allele origin: germline.
Comment: This sequence change replaces proline, which is neutral and non-polar, with threonine, which is neutral and polar, at codon 65 of the ISPD protein (p.Pro65Thr). This variant is not present in population databases (gnomAD no frequency). This variant has not been reported in the literature in individuals affected with ISPD-related conditions. ClinVar contains an entry for this variant (Variation ID: 579387). Invitae Evidence Modeling of protein sequence and biophysical properties (such as structural, functional, and spatial information, amino acid conservation, physicochemical variation, residue mobility, and thermodynamic stability) indicates that this missense variant is expected to disrupt ISPD protein function with a positive predictive value of 80%. In summary, the available evidence is currently insufficient to determine the role of this variant in disease. Therefore, it has been classified as a Variant of Uncertain Significance.

Ambry Genetics
Classification: Uncertain significance. Last evaluated: 2024-08-29. Review status: criteria provided, single submitter. Criteria: Ambry Variant Classification Scheme 2023. Collection method: clinical testing. Allele origin: germline.

Revvity Omics, Revvity
Classification: Uncertain significance. Last evaluated: 2023-03-21. Review status: criteria provided, single submitter. Criteria: ACMG Guidelines, 2015. Collection method: clinical testing. Allele origin: germline.